The following is an entry in ClinVar:

ClinVar aggregate classification (germline): Likely pathogenic (1 of 4 stars; one submission).

Conditions:
Cardiovascular phenotype. Identifiers: MedGen CN230736.

Submission:

Ambry Genetics
Classification: Likely pathogenic for Cardiovascular phenotype. Last evaluated: 2022-08-08. Review status: criteria provided, single submitter. Criteria: Ambry Variant Classification Scheme 2023. Collection method: clinical testing. Allele origin: germline.
Comment: The c.37273delG variant, located in coding exon 136 of the TTN gene, results from a deletion of one nucleotide at nucleotide position 37273, causing a translational frameshift with a predicted alternate stop codon (p.V12425Cfs*35). This exon is located in the A-band region of the N2-B isoform of the titin protein and is constitutively expressed in TTN transcripts (percent spliced in or PSI 100%). This variant is considered to be rare based on population cohorts in the Genome Aggregation Database (gnomAD). In addition, this alteration is expected to result in loss of function by premature protein truncation or nonsense-mediated mRNA decay. While truncating variants in TTN are present in 1-3% of the general population, truncating variants in the A-band are the most common cause of dilated cardiomyopathy (DCM) (Herman DS et al. N. Engl. J. Med., 2012 Feb;366:619-28; Roberts AM et al. Sci Transl Med, 2015 Jan;7:270ra6). TTN truncating variants encoded in constitutive exons (PSI >90%) have been found to be significantly associated with DCM regardless of their position in titin (Schafer S et al. Nat. Genet., 2017 01;49:46-53). Based on the majority of available evidence to date, this variant is likely to be pathogenic.

NM_001267550.2(TTN):c.64468del (p.Val21490fs)

Genes: TTN (titin; minus strand), TTN-AS1 (TTN antisense RNA 1; plus strand). Cytogenetic location: 2q31.2.
Variant type: Deletion.
Coding change: c.64468del on transcript NM_001267550.2 (MANE Select); coding-DNA position 64468, one base deleted (G; older notation c.64468delG).
Protein change: p.Val21490fs; shifts the reading frame from valine 21490.
Molecular consequence: frameshift variant.
Genome position (GRCh38, 1-based): chr2:178,585,276, C deleted on the plus strand (G on the coding strand, the reverse complement: TTN is on the minus strand). VCF-style (leftmost placement, unchanged base first): chr2-178585275-AC-A. GRCh37 (hg19) VCF-style: chr2-179450002-AC-A.
Other names: c.59545del, p.Val19849fs (NM_001256850.1); c.37273del, p.Val12425fs (NM_003319.4); c.56764del, p.Val18922fs (NM_133378.4); c.37648del, p.Val12550fs (NM_133432.3); c.37849del, p.Val12617fs (NM_133437.4); c.37273delG (NM_003319.4); short protein forms V12617fs, V12550fs, V21490fs, V12425fs, V18922fs, V19849fs.
Identifiers: ClinVar variation 1734339 (VCV001734339.2), dbSNP rs2469178279, ClinGen allele CA2580064686.